The following is an entry in ClinVar:

ClinVar aggregate classification (germline): Uncertain significance (1 of 4 stars; one submission).

Allele frequency attached by ClinVar (database versions not stated): gnomAD exomes below 0.00001 and 0.00001.
gnomAD v4.1: 2 of 1,614,178 alleles (0.00012%); highest among the groups gnomAD compares: East Asian, 0.0045%; no homozygotes.

Submission:

Labcorp Genetics (formerly Invitae), Labcorp
Classification: Uncertain significance. Last evaluated: 2022-07-19. Review status: criteria provided, single submitter. Criteria: Invitae Variant Classification Sherloc (09022015). Collection method: clinical testing. Allele origin: germline.
Comment: This sequence change replaces isoleucine, which is neutral and non-polar, with methionine, which is neutral and non-polar, at codon 238 of the PPCS protein (p.Ile238Met). This variant is present in population databases (no rsID available, gnomAD 0.01%). In summary, the available evidence is currently insufficient to determine the role of this variant in disease. Therefore, it has been classified as a Variant of Uncertain Significance. Algorithms developed to predict the effect of missense changes on protein structure and function are either unavailable or do not agree on the potential impact of this missense change (SIFT: "Tolerated"; PolyPhen-2: "Probably Damaging"; Align-GVGD: "Class C0"). ClinVar contains an entry for this variant (Variation ID: 1491136). This variant has not been reported in the literature in individuals affected with PPCS-related conditions.

NM_024664.4(PPCS):c.714T>G (p.Ile238Met)

Genes: CCDC30 (coiled-coil domain containing 30; plus strand), PPCS (phosphopantothenoylcysteine synthetase; plus strand). Cytogenetic location: 1p34.2.
Variant type: single nucleotide variant.
Coding change: c.714T>G on transcript NM_024664.4 (MANE Select); coding-DNA position 714, T replaced by G.
Protein change: p.Ile238Met; replaces isoleucine 238 with methionine.
Molecular consequence: missense variant. On other transcripts: intron variant (2).
Genome position (GRCh38, 1-based): chr1:42,459,704, T>G. VCF-style: chr1-42459704-T-G. GRCh37 (hg19) VCF-style: chr1-42925375-T-G.
Other names: c.195T>G, p.Ile65Met (NM_001077447.3, NM_001287506.1, NM_001287508.2 and 2 more transcripts); c.96T>G, p.Ile32Met (NM_001287507.1); c.-880+2354T>G (NM_001355226.2); c.612+2354T>G (NM_001287511.2); short protein forms I65M, I238M, I32M.
Identifiers: ClinVar variation 1491136 (VCV001491136.6), dbSNP rs1269078313, ClinGen allele CA339949574.